The following is an entry in ClinVar:

NM_024757.5(EHMT1):c.2980G>C (p.Ala994Pro)

Gene: EHMT1 (euchromatic histone lysine methyltransferase 1; plus strand). Cytogenetic location: 9q34.3.
Variant type: single nucleotide variant.
Coding change: c.2980G>C on transcript NM_024757.5 (MANE Select); coding-DNA position 2980, G replaced by C.
Protein change: p.Ala994Pro; replaces alanine 994 with proline.
Molecular consequence: missense variant.
Genome position (GRCh38, 1-based): chr9:137,813,118, G>C. VCF-style: chr9-137813118-G-C. GRCh37 (hg19) VCF-style: chr9-140707570-G-C.
Other names: c.2959G>C, p.Ala987Pro (NM_001354263.2); short protein forms A987P, A994P.
Identifiers: ClinVar variation 3370728 (VCV003370728.1).

ClinVar aggregate classification (germline): Uncertain significance (1 of 4 stars; one submission).

gnomAD v4.1: 2 of 1,613,114 alleles (0.00012%); highest among the groups gnomAD compares: African/African-American, 0.0013%; no homozygotes.

Submission:

GeneDx
Classification: Uncertain significance. Last evaluated: 2024-03-10. Review status: criteria provided, single submitter. Criteria: GeneDx Variant Classification Process June 2021. Collection method: clinical testing. Allele origin: germline. Affected: yes.
Comment: Not observed at significant frequency in large population cohorts (gnomAD); In silico analysis supports that this missense variant does not alter protein structure/function; Has not been previously published as pathogenic or benign to our knowledge